The following is an entry in ClinVar:

NM_182746.3(MCM4):c.61G>A (p.Ala21Thr)

Genes: MCM4 (minichromosome maintenance complex component 4; plus strand), LOC130000338 (ATAC-STARR-seq lymphoblastoid silent region 19178; plus strand). Cytogenetic location: 8q11.21.
Variant type: single nucleotide variant.
Coding change: c.61G>A on transcript NM_182746.3 (MANE Select); coding-DNA position 61, G replaced by A.
Protein change: p.Ala21Thr; replaces alanine 21 with threonine.
Molecular consequence: missense variant.
Genome position (GRCh38, 1-based): chr8:47,961,205, G>A. VCF-style: chr8-47961205-G-A. GRCh37 (hg19) VCF-style: chr8-48873765-G-A.
Other names: c.61G>A, p.Ala21Thr (NM_005914.4); short protein forms A21T.
Identifiers: ClinVar variation 1365753 (VCV001365753.7), dbSNP rs769093390, ClinGen allele CA4742154.

ClinVar aggregate classification (germline): Uncertain significance (1 of 4 stars; one submission).

Allele frequency attached by ClinVar (database versions not stated): gnomAD 0.00002; TOPMed 0.00002; gnomAD exomes 0.00003.
gnomAD v4.1: 43 of 1,520,654 alleles (0.0028%); highest among the groups gnomAD compares: Non-Finnish European, 0.0038%; no homozygotes.

Submission:

Labcorp Genetics (formerly Invitae), Labcorp
Classification: Uncertain significance. Last evaluated: 2023-11-17. Review status: criteria provided, single submitter. Criteria: Invitae Variant Classification Sherloc (09022015). Collection method: clinical testing. Allele origin: germline.
Comment: This sequence change replaces alanine, which is neutral and non-polar, with threonine, which is neutral and polar, at codon 21 of the MCM4 protein (p.Ala21Thr). The frequency data for this variant in the population databases is considered unreliable, as metrics indicate poor data quality at this position in the gnomAD database. This variant has not been reported in the literature in individuals affected with MCM4-related conditions. ClinVar contains an entry for this variant (Variation ID: 1365753). Algorithms developed to predict the effect of missense changes on protein structure and function output the following: SIFT: "Not Available"; PolyPhen-2: "Benign"; Align-GVGD: "Not Available". The threonine amino acid residue is found in multiple mammalian species, which suggests that this missense change does not adversely affect protein function. In summary, the available evidence is currently insufficient to determine the role of this variant in disease. Therefore, it has been classified as a Variant of Uncertain Significance.